The following is an entry in ClinVar:

ClinVar aggregate classification (germline): Conflicting classifications of pathogenicity. Review status: criteria provided, conflicting classifications (1 of 4 stars). 3 submissions from 3 submitters: Likely pathogenic (1); Uncertain significance (2). Last evaluated 2024-09-20.

Conditions:
TBXAS1-related disorder. Also called: TBXAS1-related condition.
Ghosal hematodiaphyseal dysplasia. Also called: Ghosal hematodiaphyseal syndrome. Identifiers: Orphanet 1802, MedGen C1856465, MONDO:0009274, OMIM 231095.

Submissions (3):

Blueprint Genetics
Classification: Likely pathogenic for TBXAS1-related disorders. Last evaluated: 2024-09-20. Review status: criteria provided, single submitter. Criteria: ACMG Guidelines, 2015. Collection method: clinical testing. Allele origin: germline. Affected: yes. Observed: 2 variant alleles.

GeneDx
Classification: Uncertain significance. Last evaluated: 2023-06-22. Review status: criteria provided, single submitter. Criteria: GeneDx Variant Classification Process June 2021. Collection method: clinical testing. Allele origin: germline. Affected: yes.
Comment: Frameshift variant predicted to result in protein truncation or nonsense mediated decay in a gene or region of a gene for which loss of function is not a well-established mechanism of disease; Has not been previously published as pathogenic or benign to our knowledge

Juno Genomics, Hangzhou Juno Genomics, Inc
Classification: Uncertain significance for Ghosal hematodiaphyseal dysplasia. Review status: criteria provided, single submitter. Criteria: ACMG Guidelines, 2015. Collection method: clinical testing. Allele origin: germline.
Comment: Null variant in a gene where loss of function (LOF) is a known mechanism of disease.;Absent from controls (or at extremely low frequency if recessive) in Genome Aggregation Database.

NM_001061.7(TBXAS1):c.958_962dup (p.Met322fs)

Gene: TBXAS1 (thromboxane A synthase 1; plus strand). Cytogenetic location: 7q34.
Variant type: Microsatellite.
Coding change: c.958_962dup on transcript NM_001061.7 (MANE Select); coding-DNA positions 958 to 962, 5 bases duplicated (AGCCC; older notation c.958_962dupAGCCC).
Protein change: p.Met322fs; shifts the reading frame from methionine 322.
Molecular consequence: frameshift variant.
Genome position (GRCh38, 1-based): chr7:139,962,057-139,962,061, AGCCC duplicated; duplicating any 5 consecutive bases within chr7:139,962,050-139,962,061 gives the same sequence; the c. name uses the placement nearest the transcript's 3' end. VCF-style (leftmost placement, unchanged base first): chr7-139962049-A-ACCAGC. GRCh37 (hg19) VCF-style: chr7-139661848-A-ACCAGC.
Other names: c.958_962dup, p.Met322fs (NM_001130966.5, NM_030984.6); c.1096_1100dup, p.Met368fs (NM_001166253.4); c.757_761dup, p.Met255fs (NM_001166254.4); c.901_905dup, p.Met303fs (NM_001314028.4); c.775_779dup, p.Met261fs (NM_001366537.3); short protein forms M255fs, M261fs, M303fs, M322fs, M368fs.
Identifiers: ClinVar variation 3360021 (VCV003360021.4).
Genomic context (GRCh38, chr7:139,962,049, plus strand): 5'-TTGACATCGTCAGAGACGTTTTCTCCTCTACTGGGTGCAAGCCGAACCCTTCCCGGCAAC[A>ACCAGC]CCAGCCCAGCCCTATGGCCAGGCCTTTGACTGTGGATGAGATTGTGGGCCAGGCCTTCAT-3'